The following is an entry in ClinVar:

ClinVar aggregate classification (germline): Conflicting classifications of pathogenicity. Review status: criteria provided, conflicting classifications (1 of 4 stars). 4 submissions from 4 submitters: Uncertain significance (1); Benign (1); Likely benign (2). Last evaluated 2025-12-17.

Conditions:
Cardiovascular phenotype. Identifiers: MedGen CN230736.
Hereditary cancer-predisposing syndrome. Also called: Tumor predisposition; Hereditary neoplastic syndrome; Hereditary Cancer Syndrome; Neoplastic Syndromes, Hereditary. Identifiers: Orphanet 140162, MedGen C0027672, MeSH D009386, MONDO:0015356.

Allele frequency attached by ClinVar (database versions not stated): gnomAD 0.00002 and 0.00003; TOPMed 0.00003; ExAC 0.00005; gnomAD exomes 0.00006.
gnomAD v4.1: 24 of 1,612,452 alleles (0.0015%); highest among the groups gnomAD compares: South Asian, 0.019%; no homozygotes.

Submissions (4):

Labcorp Genetics (formerly Invitae), Labcorp
Classification: Likely benign. Last evaluated: 2025-12-17. Review status: criteria provided, single submitter. Criteria: Invitae Variant Classification Sherloc (09022015). Collection method: clinical testing. Allele origin: germline.

GeneDx
Classification: Uncertain significance. Last evaluated: 2024-06-05. Review status: criteria provided, single submitter. Criteria: GeneDx Variant Classification Process June 2021. Collection method: clinical testing. Allele origin: germline. Affected: yes.
Comment: Has not been previously published as pathogenic or benign to our knowledge; In silico analysis suggests this variant may impact gene splicing. In the absence of RNA/functional studies, the actual effect of this sequence change is unknown

Women's Health and Genetics/Laboratory Corporation of America, LabCorp
Classification: Benign. Last evaluated: 2020-12-21. Review status: criteria provided, single submitter. Criteria: LabCorp Variant Classification Summary - May 2015. Collection method: clinical testing. Allele origin: germline.

Ambry Genetics
Classification: Likely benign for Cardiovascular phenotype; Hereditary cancer-predisposing syndrome. Last evaluated: 2020-11-18. Review status: criteria provided, single submitter. Criteria: Ambry Variant Classification Scheme 2023. Collection method: clinical testing. Allele origin: germline.

NM_006767.4(LZTR1):c.1749C>T (p.Cys583=)

Gene: LZTR1 (leucine zipper like post translational regulator 1; plus strand). Cytogenetic location: 22q11.21.
Variant type: single nucleotide variant.
Coding change: c.1749C>T on transcript NM_006767.4 (MANE Select); coding-DNA position 1749, C replaced by T.
Protein change: p.Cys583=; no amino-acid change (cysteine 583 retained).
Molecular consequence: synonymous variant.
Genome position (GRCh38, 1-based): chr22:20,994,691, C>T. VCF-style: chr22-20994691-C-T. GRCh37 (hg19) VCF-style: chr22-21348980-C-T.
Identifiers: ClinVar variation 784815 (VCV000784815.15), dbSNP rs758399311, ClinGen allele CA10119043.
Genomic context (GRCh38, chr22:20,994,691, plus strand): 5'-GCAGCTGTGCCGCCAGTACATCGAGGCCTCCGTGGACCTGCAGAACGTGCTGGTTGTGTG[C>T]GAGAGTGCCGCCCGGCTGCAGCTGAGCCAACTCAAGGTGTGGGGTGGGGTCAGCGCAATC-3'
Protein context (NP_006758.2, residues 573-593): SVDLQNVLVV[Cys583=]ESAARLQLSQ